The following is an entry in ClinVar:

NM_001354604.2(MITF):c.666+1G>A

Gene: MITF (melanocyte inducing transcription factor; plus strand). Cytogenetic location: 3p13.
Variant type: single nucleotide variant.
Coding change: c.666+1G>A on transcript NM_001354604.2 (MANE Select); the canonical splice donor site of the intron after coding-DNA position 666, G replaced by A.
Molecular consequence: splice donor variant.
Genome position (GRCh38, 1-based): chr3:69,939,182, G>A. VCF-style: chr3-69939182-G-A. GRCh37 (hg19) VCF-style: chr3-69988333-G-A.
Other names: c.615+1G>A (NM_001354607.2); c.510+1G>A (NM_001354608.2, NM_001184967.2); c.666+1G>A (NM_198159.3); c.663+1G>A (NM_001354605.2, NM_001354606.2, NM_006722.3); c.618+1G>A (NM_198177.3); c.345+1G>A (NM_000248.4, NM_198158.3); c.177+1G>A (NM_198178.3).
Identifiers: ClinVar variation 2943395 (VCV002943395.3), dbSNP rs1246772999, ClinGen allele CA353561001.

ClinVar aggregate classification (germline): Likely pathogenic (1 of 4 stars; one submission).

Conditions:
Melanoma, cutaneous malignant, susceptibility to, 8. Also called: Cutaneous malignant melanoma 8; MELANOMA AND RENAL CELL CARCINOMA, SUSCEPTIBILITY TO. Identifiers: Orphanet 293822, MedGen C3152204, MONDO:0013759, OMIM 614456.
Tietz syndrome (TADS). Also called: ALBINISM-DEAFNESS OF TIETZ; HYPOPIGMENTATION/DEAFNESS OF TIETZ; TIETZ ALBINISM-DEAFNESS SYNDROME. Identifiers: Orphanet 42665, MedGen C0391816, MONDO:0007077, OMIM 103500.
Waardenburg syndrome type 2A (WS2A). Also called: WAARDENBURG SYNDROME WITHOUT DYSTOPIA CANTHORUM. Identifiers: Orphanet 3440, MedGen C1860339, MONDO:0008671, OMIM 193510.

Allele frequency attached by ClinVar (database versions not stated): gnomAD exomes 0.00001; TOPMed 0.00001.
gnomAD v4.1: 6 of 1,613,666 alleles (0.00037%); highest among the groups gnomAD compares: Non-Finnish European, 0.00051%; no homozygotes.

Submission:

Labcorp Genetics (formerly Invitae), Labcorp
Classification: Likely pathogenic for Melanoma, cutaneous malignant, susceptibility to, 8; Waardenburg syndrome type 2A; Tietz syndrome. Last evaluated: 2025-01-26. Review status: criteria provided, single submitter. Criteria: Invitae Variant Classification Sherloc (09022015). Collection method: clinical testing. Allele origin: germline.
Comment: This sequence change affects a donor splice site in intron 3 of the MITF gene. It is expected to disrupt RNA splicing. Variants that disrupt the donor or acceptor splice site typically lead to a loss of protein function (PMID: 16199547), and loss-of-function variants in MITF are known to be pathogenic (PMID: 8659547, 20127975). This variant is not present in population databases (gnomAD no frequency). Disruption of this splice site has been observed in individual(s) with age related deafness (PMID: 33229591). ClinVar contains an entry for this variant (Variation ID: 2943395). Algorithms developed to predict the effect of sequence changes on RNA splicing suggest that this variant may disrupt the consensus splice site. In summary, the currently available evidence indicates that the variant is pathogenic, but additional data are needed to prove that conclusively. Therefore, this variant has been classified as Likely Pathogenic.

Literature cited by the submitters: PubMed 16199547; PubMed 8659547; PubMed 20127975; PubMed 33229591.